The following is an entry in ClinVar:

NM_002206.3(ITGA7):c.1966A>G (p.Thr656Ala)

Gene: ITGA7 (integrin subunit alpha 7; minus strand). Cytogenetic location: 12q13.2.
Variant type: single nucleotide variant.
Coding change: c.1966A>G on transcript NM_002206.3 (MANE Select); coding-DNA position 1966, A replaced by G.
Protein change: p.Thr656Ala; replaces threonine 656 with alanine.
Molecular consequence: missense variant.
Genome position (GRCh38, 1-based): chr12:55,695,559, T>C on the plus strand (A>G on the coding strand, the complement: ITGA7 is on the minus strand). VCF-style: chr12-55695559-T-C. GRCh37 (hg19) VCF-style: chr12-56089343-T-C.
Other names: c.1978A>G, p.Thr660Ala (NM_001144996.2); c.1687A>G, p.Thr563Ala (NM_001144997.2); c.1639A>G, p.Thr547Ala (NM_001367993.1); c.622A>G, p.Thr208Ala (NM_001367994.1); c.1948A>G, p.Thr650Ala (NM_001374465.1); c.2098A>G, p.Thr700Ala (NM_001410977.1); c.1960A>G, p.Thr654Ala (NM_001414029.1); c.1891A>G, p.Thr631Ala (NM_001414030.1); and 5 more; short protein forms T563A, T656A, T208A, T660A, T547A, T650A, T700A, T631A.
Identifiers: ClinVar variation 567089 (VCV000567089.7), dbSNP rs145740314, ClinGen allele CA6615778.

ClinVar aggregate classification (germline): Conflicting classifications of pathogenicity. Review status: criteria provided, conflicting classifications (1 of 4 stars). 3 submissions from 3 submitters: Uncertain significance (2); Likely benign (1). Last evaluated 2024-05-09.

Conditions:
Congenital muscular dystrophy due to integrin alpha-7 deficiency. Also called: Congenital muscular dystrophy with integrin alpha-7 deficiency; Muscular dystrophy, congenital, due to ITGA7 deficiency; MYOPATHY, CONGENITAL, DUE TO INTEGRIN ALPHA-7 DEFICIENCY. Identifiers: Orphanet 34520, MedGen C2750786, MONDO:0013177, OMIM 613204.

Allele frequency attached by ClinVar (database versions not stated): gnomAD exomes below 0.00001 and 0.00001; ExAC 0.00002; gnomAD 0.00003; ESP Exome Variant Server 0.00008; TOPMed 0.00008.
gnomAD v4.1: 13 of 1,602,014 alleles (0.00081%); highest among the groups gnomAD compares: African/African-American, 0.015%; no homozygotes.

Submissions (3):

Ambry Genetics
Classification: Likely benign. Last evaluated: 2024-05-09. Review status: criteria provided, single submitter. Criteria: Ambry Variant Classification Scheme 2023. Collection method: clinical testing. Allele origin: germline.

Revvity Omics, Revvity
Classification: Uncertain significance for Congenital muscular dystrophy due to integrin alpha-7 deficiency. Last evaluated: 2023-11-28. Review status: criteria provided, single submitter. Criteria: ACMG Guidelines, 2015. Collection method: clinical testing. Allele origin: germline.

Labcorp Genetics (formerly Invitae), Labcorp
Classification: Uncertain significance for Congenital muscular dystrophy due to integrin alpha-7 deficiency. Last evaluated: 2022-04-18. Review status: criteria provided, single submitter. Criteria: Invitae Variant Classification Sherloc (09022015). Collection method: clinical testing. Allele origin: germline.
Comment: This sequence change replaces threonine, which is neutral and polar, with alanine, which is neutral and non-polar, at codon 656 of the ITGA7 protein (p.Thr656Ala). This variant is present in population databases (rs145740314, gnomAD 0.02%). This variant has not been reported in the literature in individuals affected with ITGA7-related conditions. ClinVar contains an entry for this variant (Variation ID: 567089). Algorithms developed to predict the effect of missense changes on protein structure and function output the following: SIFT: "Tolerated"; PolyPhen-2: "Benign"; Align-GVGD: "Class C0". The alanine amino acid residue is found in multiple mammalian species, which suggests that this missense change does not adversely affect protein function. In summary, the available evidence is currently insufficient to determine the role of this variant in disease. Therefore, it has been classified as a Variant of Uncertain Significance.